The following is an entry in ClinVar:

NM_000875.5(IGF1R):c.3869C>T (p.Pro1290Leu)

Gene: IGF1R (insulin like growth factor 1 receptor; plus strand). Cytogenetic location: 15q26.3.
Variant type: single nucleotide variant.
Coding change: c.3869C>T on transcript NM_000875.5 (MANE Select); coding-DNA position 3869, C replaced by T.
Protein change: p.Pro1290Leu; replaces proline 1290 with leucine.
Molecular consequence: missense variant.
Genome position (GRCh38, 1-based): chr15:98,957,207, C>T. VCF-style: chr15-98957207-C-T. GRCh37 (hg19) VCF-style: chr15-99500436-C-T.
Other names: c.3866C>T, p.Pro1289Leu (NM_001291858.2); short protein forms P1290L, P1289L.
Identifiers: ClinVar variation 884827 (VCV000884827.6), dbSNP rs760362276, ClinGen allele CA7752816.

ClinVar aggregate classification (germline): Uncertain significance. Review status: criteria provided, multiple submitters, no conflicts (2 of 4 stars). 3 submissions from 3 submitters: Uncertain significance (3). Last evaluated 2025-10-23.

Conditions:
Growth delay due to insulin-like growth factor I resistance. Also called: Insulin-Like Growth Factor I Resistance; Somatomedin end-organ insensitivity to; Somatomedin-c resistance to; IGF-1 resistance; IGF-I RESISTANCE. Identifiers: Orphanet 73273, MedGen C1849157, MONDO:0010038, OMIM 270450.

Allele frequency attached by ClinVar (database versions not stated): gnomAD 0.00002; TOPMed 0.00002; ExAC 0.00003; gnomAD exomes 0.00004 and 0.00005.
gnomAD v4.1: 74 of 1,614,086 alleles (0.0046%); highest among the groups gnomAD compares: Middle Eastern, 0.016%; no homozygotes.

Submissions (3):

Labcorp Genetics (formerly Invitae), Labcorp
Classification: Uncertain significance. Last evaluated: 2025-10-23. Review status: criteria provided, single submitter. Criteria: Invitae Variant Classification Sherloc (09022015). Collection method: clinical testing. Allele origin: germline.
Comment: This sequence change replaces proline, which is neutral and non-polar, with leucine, which is neutral and non-polar, at codon 1290 of the IGF1R protein (p.Pro1290Leu). This variant is present in population databases (rs760362276, gnomAD 0.006%). This variant has not been reported in the literature in individuals affected with IGF1R-related conditions. ClinVar contains an entry for this variant (Variation ID: 884827). Invitae Evidence Modeling of protein sequence and biophysical properties (such as structural, functional, and spatial information, amino acid conservation, physicochemical variation, residue mobility, and thermodynamic stability) indicates that this missense variant is not expected to disrupt IGF1R protein function with a negative predictive value of 80%. In summary, the available evidence is currently insufficient to determine the role of this variant in disease. Therefore, it has been classified as a Variant of Uncertain Significance.

Fulgent Genetics
Classification: Uncertain significance for Growth delay due to insulin-like growth factor I resistance. Last evaluated: 2024-06-19. Review status: criteria provided, single submitter. Criteria: ACMG Guidelines, 2015. Collection method: clinical testing. Allele origin: germline.

Illumina Laboratory Services, Illumina
Classification: Uncertain significance for Growth delay due to insulin-like growth factor I resistance. Last evaluated: 2018-01-12. Review status: criteria provided, single submitter. Criteria: ICSL Variant Classification Criteria 13 December 2019. Collection method: clinical testing. Allele origin: germline.